The following is an entry in ClinVar:

ClinVar aggregate classification (germline): Conflicting classifications of pathogenicity. Review status: criteria provided, conflicting classifications (1 of 4 stars). 9 submissions from 9 submitters: Uncertain significance (1); Benign (1); Likely benign (6). 1 of the submissions does not count toward it. Last evaluated 2026-04-01.

Conditions:
Multiple endocrine neoplasia, type 2 (MEN2). Identifiers: Orphanet 653, MedGen C4048306, MONDO:0019003. Disease mechanism: gain of function.
Multiple endocrine neoplasia type 2A. Also called: Multiple Endocrine Neoplasia Type 2A (MEN2A); MULTIPLE ENDOCRINE NEOPLASIA, TYPE IIA; PTC SYNDROME; SIPPLE SYNDROME; MEN 2A; MEN-2A syndrome. Identifiers: Orphanet 247698, Orphanet 653, MedGen C0025268, MeSH D018813, MONDO:0008234, OMIM 171400.

Allele frequency attached by ClinVar (database versions not stated): gnomAD 0.00002 and 0.00003; TOPMed 0.00003; ExAC 0.00011; 1000 Genomes Project 30x 0.00031; 1000 Genomes Project 0.00040.
gnomAD v4.1: 43 of 1,613,882 alleles (0.0027%); highest among the groups gnomAD compares: East Asian, 0.047%; no homozygotes.

Submissions (9):

CeGaT Center for Human Genetics Tuebingen
Classification: Likely benign. Last evaluated: 2026-04-01. Review status: criteria provided, single submitter. Criteria: CeGaT Center For Human Genetics Tuebingen Variant Classification Criteria Version 2. Collection method: clinical testing. Allele origin: germline. Affected: yes. Observed: 1 variant allele.
Comment: RET: BP4, BS2

Labcorp Genetics (formerly Invitae), Labcorp
Classification: Likely benign for Multiple endocrine neoplasia, type 2. Last evaluated: 2026-01-16. Review status: criteria provided, single submitter. Criteria: Invitae Variant Classification Sherloc (09022015). Collection method: clinical testing. Allele origin: germline.

ARUP Laboratories, Molecular Genetics and Genomics, ARUP Laboratories
Classification: Uncertain significance. Last evaluated: 2025-06-06. Review status: criteria provided, single submitter. Criteria: ARUP Molecular Germline Variant Investigation Process 2024. Collection method: clinical testing. Allele origin: germline.
Comment: The RET c.2939+6C>T variant (rs181245759), to our knowledge, is not reported in the medical literature but is reported in ClinVar (Variation ID: 216723). This variant is found in the East Asian population with an allele frequency of 0.087% (16/18,390 alleles) in the Genome Aggregation Database (v2.1.1). This is an intronic variant and computational analyses (Alamut Visual Plus v.1.12) predict that this variant does not alter splicing. However, since this variant is located within the minimal splice region, the clinical significance of this variant is uncertain at this time.

Quest Diagnostics Nichols Institute San Juan Capistrano
Classification: Benign. Last evaluated: 2025-02-25. Review status: criteria provided, single submitter. Criteria: Quest Diagnostics criteria. Collection method: clinical testing. Allele origin: unknown.

Blueprint Genetics
Classification: Likely benign. Last evaluated: 2024-11-04. Review status: criteria provided, single submitter. Criteria: ACMG Guidelines, 2015. Collection method: clinical testing. Allele origin: germline.

All of Us Research Program, National Institutes of Health
Classification: Likely benign for Multiple endocrine neoplasia, type 2. Last evaluated: 2024-01-22. Review status: criteria provided, single submitter. Criteria: ACMG Guidelines, 2015. Collection method: clinical testing. Allele origin: germline. Inheritance: Autosomal dominant inheritance. Observed: 9 variant alleles, 9 heterozygotes.
Comment: This study involves interpretation of variants in research participants for the purpose of population health screening. Participant phenotype was not available at the time of variant classification. Additional details can be found in publication PMID: 35346344, PMCID: PMC8962531

Color Diagnostics, LLC DBA Color Health
Classification: Likely benign for Multiple endocrine neoplasia, type 2. Last evaluated: 2022-11-11. Review status: criteria provided, single submitter. Criteria: ACMG Guidelines, 2015. Collection method: clinical testing. Allele origin: germline.

PreventionGenetics, part of Exact Sciences
Classification: Likely benign. Last evaluated: 2017-10-24. Review status: criteria provided, single submitter. Criteria: ACMG Guidelines, 2015. Collection method: clinical testing. Allele origin: germline.

Counsyl
Classification: Uncertain significance for Multiple endocrine neoplasia type 2A. Last evaluated: 2018-05-16. Review status: no assertion criteria provided. Collection method: clinical testing. Allele origin: unknown. Not counted in ClinVar's aggregate classification.

NM_020975.6(RET):c.2939+6C>T

Gene: RET (ret proto-oncogene; plus strand). Cytogenetic location: 10q11.21.
Variant type: single nucleotide variant.
Coding change: c.2939+6C>T on transcript NM_020975.6 (MANE Select); 6 bases into the intron after coding-DNA position 2939, C replaced by T.
Molecular consequence: intron variant.
Genome position (GRCh38, 1-based): chr10:43,123,814, C>T. VCF-style: chr10-43123814-C-T. GRCh37 (hg19) VCF-style: chr10-43619262-C-T.
Other names: c.2939+6C>T (NM_020630.7, NM_001406743.1, NM_001406744.1 and 2 more transcripts); c.2804+6C>T (NM_001406765.1, NM_001406763.1); c.2543+6C>T (NM_001406772.1, NM_001406769.1); c.2501+6C>T (NM_001406773.1, NM_001406771.1); c.2042+6C>T (NM_001406782.1, NM_001406780.1, NM_001406779.1 and 1 more transcripts); c.1907+6C>T (NM_001406787.1); c.1922+6C>T (NM_001406785.1); c.2810+6C>T (NM_001406764.1, NM_001406762.1, NM_001406761.1); and 10 more.
Identifiers: ClinVar variation 216723 (VCV000216723.22), dbSNP rs181245759, ClinGen allele CA041663.
Genomic context (GRCh38, chr10:43,123,814, plus strand): 5'-ACCTTCTGAAGACCGGCCACCGGATGGAGAGGCCAGACAACTGCAGCGAGGAGATGTGAG[C>T]GGGGACTGGCTTTGGCCCAGCCTCACTTGGGAAGGGAGGGGACATCTGTGTGCATTCCCT-3'